The following is an entry in ClinVar:

NM_206933.4(USH2A):c.2800T>C (p.Cys934Arg)

Genes: USH2A (usherin; minus strand), LOC122152296 (Sharpr-MPRA regulatory region 8762; plus strand). Cytogenetic location: 1q41.
Variant type: single nucleotide variant.
Coding change: c.2800T>C on transcript NM_206933.4 (MANE Select); coding-DNA position 2800, T replaced by C.
Protein change: p.Cys934Arg; replaces cysteine 934 with arginine.
Molecular consequence: missense variant.
Genome position (GRCh38, 1-based): chr1:216,246,594, A>G on the plus strand (T>C on the coding strand, the complement: USH2A is on the minus strand). VCF-style: chr1-216246594-A-G. GRCh37 (hg19) VCF-style: chr1-216419936-A-G.
Other names: c.2800T>C, p.Cys934Arg (NM_007123.6); short protein forms C934R.
Identifiers: ClinVar variation 856761 (VCV000856761.11), dbSNP rs376591221, ClinGen allele CA1396163.
Genomic context (GRCh38, chr1:216,246,594, plus strand): 5'-AACAAAAGGAATGTCATTGTGCACTGAAAATGTAATACATTTCTTTCTTACCTGGTTGAC[A>G]CTGATTACACCTTCTTCCTTGACGATTAGGCACACACAGGCACTGGCCACTGATTGGGTC-3'
Protein context (NP_996816.3, residues 924-944): PNRQGRRCNQ[Cys934Arg]QPGFYISPGN

ClinVar aggregate classification (germline): Likely pathogenic. Review status: criteria provided, multiple submitters, no conflicts (2 of 4 stars). 3 submissions from 3 submitters: Likely pathogenic (2). 1 of the submissions does not count toward it. Last evaluated 2026-01-14.

Conditions:
USH2A-related disorder. Also called: USH2A-related condition; USH2A-related disorders. Identifiers: MedGen CN239332.
Usher syndrome type 2A. Also called: RETINAL DISEASE IN USHER SYNDROME TYPE IIA, MODIFIER OF; USHER SYNDROME, TYPE IIA. Identifiers: Orphanet 231178, Orphanet 886, MedGen C1848634, MONDO:0010169, OMIM 276901.

Allele frequency attached by ClinVar (database versions not stated): gnomAD exomes below 0.00001 and 0.00001; TOPMed 0.00001; ExAC 0.00002; ESP Exome Variant Server 0.00008.
gnomAD v4.1: 5 of 1,614,060 alleles (0.00031%); highest among the groups gnomAD compares: Non-Finnish European, 0.000085%; no homozygotes.

Submissions (3):

Labcorp Genetics (formerly Invitae), Labcorp
Classification: Likely pathogenic. Last evaluated: 2026-01-14. Review status: criteria provided, single submitter. Criteria: Invitae Variant Classification Sherloc (09022015). Collection method: clinical testing. Allele origin: germline.
Comment: This sequence change replaces cysteine, which is neutral and slightly polar, with arginine, which is basic and polar, at codon 934 of the USH2A protein (p.Cys934Arg). This variant is present in population databases (rs376591221, gnomAD 0.02%). This variant has not been reported in the literature in individuals affected with USH2A-related conditions. ClinVar contains an entry for this variant (Variation ID: 856761). Invitae Evidence Modeling of protein sequence and biophysical properties (such as structural, functional, and spatial information, amino acid conservation, physicochemical variation, residue mobility, and thermodynamic stability) indicates that this missense variant is expected to disrupt USH2A protein function with a positive predictive value of 95%. This variant disrupts the p.Cys934 amino acid residue in USH2A. Other variant(s) that disrupt this residue have been determined to be pathogenic (PMID: 21686329, 26310143, 30948794). This suggests that this residue is clinically significant, and that variants that disrupt this residue are likely to be disease-causing. In summary, the currently available evidence indicates that the variant is pathogenic, but additional data are needed to prove that conclusively. Therefore, this variant has been classified as Likely Pathogenic.

Blueprint Genetics
Classification: Likely pathogenic for USH2A-related disorders. Last evaluated: 2024-10-23. Review status: criteria provided, single submitter. Criteria: ACMG Guidelines, 2015. Collection method: clinical testing. Allele origin: germline. Affected: yes. Observed: 2 variant alleles.

Natera, Inc.
Classification: Uncertain significance for Usher syndrome type 2A. Last evaluated: 2020-02-21. Review status: no assertion criteria provided. Collection method: clinical testing. Allele origin: germline. Not counted in ClinVar's aggregate classification.

Literature cited by the submitters: PubMed 21686329 (cited by Labcorp Genetics (formerly Invitae), Labcorp); PubMed 26310143 (cited by Labcorp Genetics (formerly Invitae), Labcorp); PubMed 30948794 (cited by Labcorp Genetics (formerly Invitae), Labcorp).